The following is an entry in ClinVar:

ClinVar aggregate classification (germline): Benign/Likely benign. Review status: criteria provided, multiple submitters, no conflicts (2 of 4 stars). 3 submissions from 2 submitters: Benign (2); Likely benign (1). Last evaluated 2021-05-26.

Conditions:
Susceptibility to mononeuropathy of the median nerve, mild. Also called: CARPAL TUNNEL SYNDROME, SUSCEPTIBILITY TO. Identifiers: MedGen C3150596, MONDO:0013237, OMIM 613353.
Charcot-Marie-Tooth disease type 4C (CMT4C). Also called: CHARCOT-MARIE-TOOTH DISEASE, DEMYELINATING, AUTOSOMAL RECESSIVE, TYPE 4C; CMT 4C; Charcot-Marie-Tooth Neuropathy Type 4C (CMT4C); CHARCOT-MARIE-TOOTH DISEASE, DEMYELINATING, TYPE 4C; SH3TC2-Related Hereditary Motor and Sensory Neuropathy. Identifiers: Orphanet 99949, MedGen C1866636, MONDO:0011113, OMIM 601596.

Allele frequency attached by ClinVar (database versions not stated): 1000 Genomes Project 0.00779; gnomAD 0.00804 and 0.00859; 1000 Genomes Project 30x 0.00859; TOPMed 0.00867.
gnomAD v4.1: 1,220 of 152,218 alleles (0.8%); highest among the groups gnomAD compares: African/African-American, 2.6%; 13 homozygotes.

Submissions (3):

GeneDx
Classification: Likely benign. Last evaluated: 2021-05-26. Review status: criteria provided, single submitter. Criteria: GeneDx Variant Classification Process June 2021. Collection method: clinical testing. Allele origin: germline. Affected: yes.

Illumina Laboratory Services, Illumina
Classification: Benign for Susceptibility to mononeuropathy of the median nerve, mild. Last evaluated: 2018-01-13. Review status: criteria provided, single submitter. Criteria: ICSL Variant Classification Criteria 13 December 2019. Collection method: clinical testing. Allele origin: germline.
Comment: This variant was observed in the ICSL laboratory as part of a predisposition screen in an ostensibly healthy population. It had not been previously curated by ICSL or reported in the Human Gene Mutation Database (HGMD: prior to June 1st, 2018), and was therefore a candidate for classification through an automated scoring system. Utilizing variant allele frequency, disease prevalence and penetrance estimates, and inheritance mode, an automated score was calculated to assess if this variant is too frequent to cause the disease. Based on the score and internal cut-off values, a variant classified as benign is not then subjected to further curation. The score for this variant resulted in a classification of benign for this disease.

Illumina Laboratory Services, Illumina
Classification: Benign for Charcot-Marie-Tooth disease type 4C. Last evaluated: 2018-01-13. Review status: criteria provided, single submitter. Criteria: ICSL Variant Classification Criteria 13 December 2019. Collection method: clinical testing. Allele origin: germline.
Comment: the same text as in the submission from Illumina Laboratory Services, Illumina above.

NM_024577.4(SH3TC2):c.*8053G>A

Gene: SH3TC2 (SH3 domain and tetratricopeptide repeats 2; minus strand). Cytogenetic location: 5q32.
Variant type: single nucleotide variant.
Coding change: c.*8053G>A on transcript NM_024577.4 (MANE Select); 8053 bases downstream of the stop codon, G replaced by A.
Molecular consequence: 3 prime UTR variant.
Genome position (GRCh38, 1-based): chr5:148,996,658, C>T on the plus strand (G>A on the coding strand, the complement: SH3TC2 is on the minus strand). VCF-style: chr5-148996658-C-T. GRCh37 (hg19) VCF-style: chr5-148376221-C-T.
Identifiers: ClinVar variation 351763 (VCV000351763.6), dbSNP rs115027318, ClinGen allele CA10623415.